The following is an entry in ClinVar:

ClinVar aggregate classification (germline): Uncertain significance. Review status: criteria provided, multiple submitters, no conflicts (2 of 4 stars). 3 submissions from 3 submitters: Uncertain significance (3). Last evaluated 2025-12-18.

Conditions:
Basal laminar drusen. Also called: DRUSEN OF BRUCH MEMBRANE; DRUSEN, CUTICULAR; DRUSEN, EARLY ADULT-ONSET, GROUPED. Identifiers: Orphanet 75376, MedGen C0730295, MONDO:0007472, OMIM 126700.
Atypical hemolytic-uremic syndrome. Identifiers: Orphanet 2134, MedGen C2931788, MONDO:0016244.
Factor H deficiency (CFHD). Also called: COMPLEMENT FACTOR H DEFICIENCY; CFH DEFICIENCY. Identifiers: Orphanet 200421, MedGen C0398777, MONDO:0012350, OMIM 609814.
Age related macular degeneration 4. Identifiers: MedGen C1853147, MONDO:0012540, OMIM 610698.
CFH-related disorder. Also called: CFH-related condition; CFH-related disorders.

Allele frequency attached by ClinVar (database versions not stated): gnomAD 0.00001; ExAC 0.00003; gnomAD exomes 0.00004; TOPMed 0.00004.
gnomAD v4.1: 65 of 1,613,274 alleles (0.004%); highest among the groups gnomAD compares: Non-Finnish European, 0.0053%; no homozygotes.

Submissions (3):

PreventionGenetics, part of Exact Sciences
Classification: Uncertain significance for CFH-related condition. Last evaluated: 2025-12-18. Review status: criteria provided, single submitter. Criteria: ACMG Guidelines, 2015. Collection method: clinical testing. Allele origin: germline.
Comment: The CFH c.2650T>C variant is predicted to result in the amino acid substitution p.Ser884Pro. This variant was reported in an individual with atypical hemolytic uraemic syndrome (Table S1, Ardissino et al. 2021. PubMed ID: 34169201); however, it was also detected in a healthy individual. This variant does not appear to impact protein function (Martín Merinero et al. 2021. PubMed ID: 34189567). This variant is reported in 0.0062% of alleles in individuals of European (non-Finnish) descent in gnomAD. At this time, the clinical significance of this variant is uncertain due to the absence of conclusive functional and genetic evidence.

Labcorp Genetics (formerly Invitae), Labcorp
Classification: Uncertain significance. Last evaluated: 2025-11-11. Review status: criteria provided, single submitter. Criteria: Invitae Variant Classification Sherloc (09022015). Collection method: clinical testing. Allele origin: germline.
Comment: This sequence change replaces serine, which is neutral and polar, with proline, which is neutral and non-polar, at codon 884 of the CFH protein (p.Ser884Pro). This variant is present in population databases (rs763377571, gnomAD 0.006%). This missense change has been observed in individual(s) with clinical features of CFH-related conditions (PMID: 34169201). ClinVar contains an entry for this variant (Variation ID: 2896726). An algorithm developed to predict the effect of missense changes on protein structure and function outputs the following: PolyPhen-2: "Benign". The proline amino acid residue is found in multiple mammalian species, which suggests that this missense change does not adversely affect protein function. Experimental studies have shown that this missense change does not substantially affect CFH function (PMID: 34189567). In summary, the available evidence is currently insufficient to determine the role of this variant in disease. Therefore, it has been classified as a Variant of Uncertain Significance.

Genomenon, Inc
Classification: Uncertain significance for Basal laminar drusen; Age related macular degeneration 4; Atypical hemolytic-uremic syndrome; Factor H deficiency. Last evaluated: 2025-10-02. Review status: criteria provided, single submitter. Criteria: Genomenon Sequence Variant Interpretation Standards - Updated. Collection method: curation. Allele origin: germline. Affected: no.
Comment: CFH p.Ser884Pro (c.2650T>C) is a missense variant that changes the amino acid at residue 884 from Serine to Proline. This variant has been reported in the published literature (PMID:34679405;34189567). It is absent or not present at a significant frequency in gnomAD. In silico models agree that this variant is not damaging. In conclusion, we classify CFH p.Ser884Pro (c.2650T>C) as a variant of uncertain significance.

Literature cited by the submitters: PubMed 34169201 (cited by Labcorp Genetics (formerly Invitae), Labcorp); PubMed 34189567 (cited by Labcorp Genetics (formerly Invitae), Labcorp and Genomenon, Inc); PubMed 34679405 (cited by Genomenon, Inc).

NM_000186.4(CFH):c.2650T>C (p.Ser884Pro)

Gene: CFH (complement factor H; plus strand). Cytogenetic location: 1q31.3.
Variant type: single nucleotide variant.
Coding change: c.2650T>C on transcript NM_000186.4 (MANE Select); coding-DNA position 2650, T replaced by C.
Protein change: p.Ser884Pro; replaces serine 884 with proline.
Molecular consequence: missense variant.
Genome position (GRCh38, 1-based): chr1:196,737,528, T>C. VCF-style: chr1-196737528-T-C. GRCh37 (hg19) VCF-style: chr1-196706658-T-C.
Other names: short protein forms S884P.
Identifiers: ClinVar variation 2896726 (VCV002896726.5), dbSNP rs763377571, ClinGen allele CA1305706.
Genomic context (GRCh38, chr1:196,737,528, plus strand): 5'-CATTTAGAAAAAATTCCATGTTCACAACCACCTCAGATAGAACACGGAACCATTAATTCA[T>C]CCAGGTCTTCACAAGAAAGTTATGCACATGGGACTAAATTGAGTTATACTTGTGAGGGTG-3'
Protein context (NP_000177.2, residues 874-894): PQIEHGTINS[Ser884Pro]RSSQESYAHG